The following is an entry in ClinVar:

ClinVar aggregate classification (germline): Conflicting classifications of pathogenicity. Review status: criteria provided, conflicting classifications (1 of 4 stars). 3 submissions from 3 submitters: Uncertain significance (2); Likely benign (1). Last evaluated 2026-03-10.

Conditions:
Autoimmune interstitial lung disease-arthritis syndrome. Also called: Autoinflammation and autoimmunity, systemic, with immune dysregulation. Identifiers: Orphanet 444092, MedGen C5975714, MONDO:0014629.
Inborn genetic diseases. Identifiers: MedGen C0950123, MeSH D030342.

gnomAD v4.1: 36 of 1,611,062 alleles (0.0022%); highest among the groups gnomAD compares: Non-Finnish European, 0.0031%; no homozygotes.

Submissions (3):

GeneDx
Classification: Uncertain significance. Last evaluated: 2026-03-10. Review status: criteria provided, single submitter. Criteria: GeneDx Variant Classification Process June 2021. Collection method: clinical testing. Allele origin: germline.
Comment: In silico analysis supports that this missense variant has a deleterious effect on protein structure/function; Has not been previously published as pathogenic or benign to our knowledge

Labcorp Genetics (formerly Invitae), Labcorp
Classification: Likely benign for Autoimmune interstitial lung disease-arthritis syndrome. Last evaluated: 2025-10-03. Review status: criteria provided, single submitter. Criteria: Invitae Variant Classification Sherloc (09022015). Collection method: clinical testing. Allele origin: germline.

Ambry Genetics
Classification: Uncertain significance for Inborn genetic diseases. Last evaluated: 2021-11-15. Review status: criteria provided, single submitter. Criteria: Ambry Variant Classification Scheme 2023. Collection method: clinical testing. Allele origin: germline.

NM_004371.4(COPA):c.1674C>A (p.His558Gln)

Gene: COPA (coat protein complex I subunit alpha; minus strand). Cytogenetic location: 1q23.2.
Variant type: single nucleotide variant.
Coding change: c.1674C>A on transcript NM_004371.4 (MANE Select); coding-DNA position 1674, C replaced by A.
Protein change: p.His558Gln; replaces histidine 558 with glutamine.
Molecular consequence: missense variant.
Genome position (GRCh38, 1-based): chr1:160,299,258, G>T on the plus strand (C>A on the coding strand, the complement: COPA is on the minus strand). VCF-style: chr1-160299258-G-T. GRCh37 (hg19) VCF-style: chr1-160269048-G-T.
Other names: c.1674C>A (NM_004371.3); c.1701C>A, p.His567Gln (NM_001098398.2); short protein forms H558Q, H567Q.
Identifiers: ClinVar variation 1955267 (VCV001955267.7), dbSNP rs758422851, ClinGen allele CA343281304.